The following is an entry in ClinVar:

NM_001370298.3(FGD4):c.1906C>T (p.Leu636=)

Gene: FGD4 (FYVE, RhoGEF and PH domain containing 4; plus strand). Cytogenetic location: 12p11.21.
Variant type: single nucleotide variant.
Coding change: c.1906C>T on transcript NM_001370298.3 (MANE Select); coding-DNA position 1906, C replaced by T.
Protein change: p.Leu636=; no amino-acid change (leucine 636 retained).
Molecular consequence: synonymous variant.
Genome position (GRCh38, 1-based): chr12:32,619,854, C>T. VCF-style: chr12-32619854-C-T. GRCh37 (hg19) VCF-style: chr12-32772788-C-T.
Other names: c.1750C>T, p.Leu584= (NM_001304481.2); c.751C>T, p.Leu251= (NM_001304483.2); c.463C>T, p.Leu155= (NM_001304484.2); c.1216C>T, p.Leu406= (NM_001330373.2, NM_001330374.2, NM_001384130.1); c.943C>T, p.Leu315= (NM_001370297.1); c.1906C>T, p.Leu636= (NM_001384126.1); c.1495C>T, p.Leu499= (NM_001384127.1, NM_001384128.1, NM_001385118.1 and 1 more transcripts).
Identifiers: ClinVar variation 1650344 (VCV001650344.9), dbSNP rs182397244, ClinGen allele CA6506899.

ClinVar aggregate classification (germline): Likely benign. Review status: criteria provided, multiple submitters, no conflicts (2 of 4 stars). 2 submissions from 2 submitters: Likely benign (2). Last evaluated 2026-05-22.

Conditions:
Charcot-Marie-Tooth disease type 4. Also called: Charcot-Marie-Tooth disease, type IV; Charcot-Marie-Tooth, Type 4. Identifiers: Orphanet 64749, MedGen C4082197, MONDO:0018995.
FGD4-related disorder. Also called: FGD4-related condition.

Allele frequency attached by ClinVar (database versions not stated): gnomAD 0.00001 and 0.00006; gnomAD exomes 0.00001 and 0.00002; ExAC 0.00003; TOPMed 0.00003; ESP Exome Variant Server 0.00008; 1000 Genomes Project 30x 0.00047; 1000 Genomes Project 0.00060.
gnomAD v4.1: 34 of 1,614,148 alleles (0.0021%); highest among the groups gnomAD compares: Middle Eastern, 0.082%; no homozygotes.

Submissions (2):

PreventionGenetics, part of Exact Sciences
Classification: Likely benign for FGD4-related condition. Last evaluated: 2026-05-22. Review status: criteria provided, single submitter. Criteria: ACMG Guidelines, 2015. Collection method: clinical testing. Allele origin: germline.
Comment: This variant is classified as likely benign based on ACMG/AMP sequence variant interpretation guidelines (Richards et al. 2015 PMID: 25741868, with internal and published modifications).

Labcorp Genetics (formerly Invitae), Labcorp
Classification: Likely benign for Charcot-Marie-Tooth disease type 4. Last evaluated: 2022-07-27. Review status: criteria provided, single submitter. Criteria: Invitae Variant Classification Sherloc (09022015). Collection method: clinical testing. Allele origin: germline.